The following is an entry in ClinVar:

ClinVar aggregate classification (germline): Uncertain significance. Review status: criteria provided, single submitter (1 of 4 stars). 2 submissions from 2 submitters: Uncertain significance (1). 1 of the submissions does not count toward it. Last evaluated 2018-01-13.

Conditions:
Peroxisome biogenesis disorder 8A (Zellweger). Also called: Peroxisome biogenesis disorder 8A. Identifiers: Orphanet 912, MedGen C3553959, MONDO:0013942, OMIM 614876.
PEX16-related disorder. Also called: PEX16-related condition.

Allele frequency attached by ClinVar (database versions not stated): gnomAD exomes 0.00021 and 0.00027; ExAC 0.00028; gnomAD 0.00029 and 0.00034; ESP Exome Variant Server 0.00031; 1000 Genomes Project 0.00040; 1000 Genomes Project 30x 0.00047; TOPMed 0.00056.
gnomAD v4.1: 448 of 1,611,914 alleles (0.028%); highest among the groups gnomAD compares: Admixed American, 0.058%; no homozygotes.

Submissions (2):

Illumina Laboratory Services, Illumina
Classification: Uncertain significance for Peroxisome biogenesis disorder 8A (Zellweger). Last evaluated: 2018-01-13. Review status: criteria provided, single submitter. Criteria: ICSL Variant Classification Criteria 13 December 2019. Collection method: clinical testing. Allele origin: germline.

PreventionGenetics, part of Exact Sciences
Classification: Uncertain significance for PEX16-related condition. Last evaluated: 2024-03-29. Review status: no assertion criteria provided. Collection method: clinical testing. Allele origin: germline. Not counted in ClinVar's aggregate classification.
Comment: The PEX16 c.983C>T variant is predicted to result in the amino acid substitution p.Pro328Leu. This variant can also be referred to as post-coding variant c.*107C>T with the transcripts listed in the Human Gene Mutation Database (NM_004813). To our knowledge, this variant has not been reported in the literature. This variant is reported in 0.072% of alleles in individuals of African descent in gnomAD. At this time, the clinical significance of this variant is uncertain due to the absence of conclusive functional and genetic evidence.

NM_004813.4(PEX16):c.*107C>T

Gene: PEX16 (peroxisomal biogenesis factor 16; minus strand). Cytogenetic location: 11p11.2.
Variant type: single nucleotide variant.
Coding change: c.*107C>T on transcript NM_004813.4 (MANE Select); 107 bases downstream of the stop codon, C replaced by T.
Molecular consequence: 3 prime UTR variant. On other transcripts: missense variant (1).
Genome position (GRCh38, 1-based): chr11:45,910,147, G>A on the plus strand (C>T on the coding strand, the complement: PEX16 is on the minus strand). VCF-style: chr11-45910147-G-A. GRCh37 (hg19) VCF-style: chr11-45931698-G-A.
Other names: c.983C>T, p.Pro328Leu (NM_057174.3); c.983C>T (NM_057174.2); short protein forms P328L.
Identifiers: ClinVar variation 304784 (VCV000304784.6), dbSNP rs201513691, ClinGen allele CA5959688.